The following is an entry in ClinVar:

ClinVar aggregate classification (germline): Benign/Likely benign. Review status: criteria provided, multiple submitters, no conflicts (2 of 4 stars). 4 submissions from 4 submitters: Benign (1); Likely benign (3). Last evaluated 2026-01-31.

Conditions:
Familial cancer of breast. Also called: hereditary breast carcinoma; Hereditary breast cancer; BREAST CANCER, FAMILIAL. Identifiers: Orphanet 227535, MedGen C0346153, MONDO:0016419, OMIM 114480. Disease mechanism: loss of function.
Hereditary cancer-predisposing syndrome. Also called: Tumor predisposition; Hereditary neoplastic syndrome; Neoplastic Syndromes, Hereditary; Hereditary Cancer Syndrome. Identifiers: Orphanet 140162, MedGen C0027672, MeSH D009386, MONDO:0015356.

Allele frequency attached by ClinVar (database versions not stated): gnomAD 0.00001; gnomAD exomes 0.00001.
gnomAD v4.1: 11 of 1,415,174 alleles (0.00078%); highest among the groups gnomAD compares: Admixed American, 0.012%; no homozygotes.

Submissions (4):

Labcorp Genetics (formerly Invitae), Labcorp
Classification: Likely benign for Familial cancer of breast. Last evaluated: 2026-01-31. Review status: criteria provided, single submitter. Criteria: Invitae Variant Classification Sherloc (09022015). Collection method: clinical testing. Allele origin: germline.

Myriad Genetics, Inc.
Classification: Benign for Familial cancer of breast. Last evaluated: 2024-12-11. Review status: criteria provided, single submitter. Criteria: Myriad Autosomal Dominant, Autosomal Recessive and X-Linked Classification Criteria (2023). Collection method: clinical testing. Allele origin: unknown.
Comment: This variant is considered benign. This variant is intronic and is not expected to impact mRNA splicing. This variant is strongly associated with less severe personal and family histories of cancer, typical for individuals without pathogenic variants in this gene [PMID: 25085752].

GeneDx
Classification: Likely benign. Last evaluated: 2017-05-31. Review status: criteria provided, single submitter. Criteria: GeneDx Variant Classification (06012015). Collection method: clinical testing. Allele origin: germline. Affected: yes.
Comment: This variant is considered likely benign or benign based on one or more of the following criteria: it is a conservative change, it occurs at a poorly conserved position in the protein, it is predicted to be benign by multiple in silico algorithms, and/or has population frequency not consistent with disease.

Color Diagnostics, LLC DBA Color Health
Classification: Likely benign for Hereditary cancer-predisposing syndrome. Last evaluated: 2017-03-02. Review status: criteria provided, single submitter. Criteria: ACMG Guidelines, 2015. Collection method: clinical testing. Allele origin: germline.

Literature cited by the submitters: PubMed 25085752 (cited by Myriad Genetics, Inc.).

NM_007194.4(CHEK2):c.1260-18C>T

Gene: CHEK2 (checkpoint kinase 2; minus strand). Cytogenetic location: 22q12.1.
Variant type: single nucleotide variant.
Coding change: c.1260-18C>T on transcript NM_007194.4 (MANE Select); 18 bases into the intron before coding-DNA position 1260, C replaced by T.
Molecular consequence: intron variant.
Genome position (GRCh38, 1-based): chr22:28,695,260, G>A on the plus strand (C>T on the coding strand, the complement: CHEK2 is on the minus strand). VCF-style: chr22-28695260-G-A. GRCh37 (hg19) VCF-style: chr22-29091248-G-A.
Other names: c.597-18C>T (NM_001437942.1, NM_001257387.3); c.1059-18C>T (NM_001349956.3); c.1173-18C>T (NM_145862.3); c.1266-18C>T (NM_001438295.1); c.1353-18C>T (NM_001438293.1); c.1302-18C>T (NM_001438294.1); c.1389-18C>T (NM_001005735.3).
Identifiers: ClinVar variation 382525 (VCV000382525.13), dbSNP rs1057521375, ClinGen allele CA16609083.
Genomic context (GRCh38, chr22:28,695,260, plus strand): 5'-CACTTGAGTCCTATGCTCAGAGAAAGGTGGATACCCACTAAGGCTTAATATTGGTAGAGA[G>A]AGAAAGGAAAAGAAATCAAGTGGCATTCTCAGTGGCATTCAGATATAAAGATTTCTTTTT-3'